The following is an entry in ClinVar:

ClinVar aggregate classification (germline): Likely benign. Review status: criteria provided, multiple submitters, no conflicts (2 of 4 stars). 2 submissions from 2 submitters: Likely benign (2). Last evaluated 2024-06-01.

Conditions:
Inborn genetic diseases. Identifiers: MedGen C0950123, MeSH D030342.

Allele frequency attached by ClinVar (database versions not stated): gnomAD exomes 0.00003; gnomAD 0.00004 and 0.00007; TOPMed 0.00015; 1000 Genomes Project 30x 0.00047.
gnomAD v4.1: 55 of 1,593,542 alleles (0.0035%); highest among the groups gnomAD compares: East Asian, 0.12%; no homozygotes.

Submissions (2):

CeGaT Center for Human Genetics Tuebingen
Classification: Likely benign. Last evaluated: 2024-06-01. Review status: criteria provided, single submitter. Criteria: CeGaT Center For Human Genetics Tuebingen Variant Classification Criteria Version 2. Collection method: clinical testing. Allele origin: germline. Affected: yes. Observed: 1 variant allele.
Comment: TBR1: BP4, BP7, BS1

Ambry Genetics
Classification: Likely benign for Inborn genetic diseases. Last evaluated: 2016-07-05. Review status: criteria provided, single submitter. Criteria: Ambry Variant Classification Scheme 2023. Collection method: clinical testing. Allele origin: germline.

NM_006593.4(TBR1):c.1242G>C (p.Ser414=)

Gene: TBR1 (T-box brain transcription factor 1; plus strand). Cytogenetic location: 2q24.2.
Variant type: single nucleotide variant.
Coding change: c.1242G>C on transcript NM_006593.4 (MANE Select); coding-DNA position 1242, G replaced by C.
Protein change: p.Ser414=; no amino-acid change (serine 414 retained).
Molecular consequence: synonymous variant.
Genome position (GRCh38, 1-based): chr2:161,423,420, G>C. VCF-style: chr2-161423420-G-C. GRCh37 (hg19) VCF-style: chr2-162279931-G-C.
Identifiers: ClinVar variation 588007 (VCV000588007.23), dbSNP rs200230676, ClinGen allele CA1930941.